The following is an entry in ClinVar:

NM_006206.6(PDGFRA):c.2545T>A (p.Tyr849Asn)

Gene: PDGFRA (platelet derived growth factor receptor alpha; plus strand). Cytogenetic location: 4q12.
Variant type: single nucleotide variant.
Coding change: c.2545T>A on transcript NM_006206.6 (MANE Select); coding-DNA position 2545, T replaced by A.
Protein change: p.Tyr849Asn; replaces tyrosine 849 with asparagine.
Molecular consequence: missense variant.
Genome position (GRCh38, 1-based): chr4:54,285,946, T>A. VCF-style: chr4-54285946-T-A. GRCh37 (hg19) VCF-style: chr4-55152113-T-A.
Other names: c.2620T>A, p.Tyr874Asn (NM_001347828.2); c.2545T>A, p.Tyr849Asn (NM_001347829.2); c.2584T>A, p.Tyr862Asn (NM_001347830.2); short protein forms Y849N, Y862N, Y874N.
Identifiers: ClinVar variation 4530329 (VCV004530329.1).
Genomic context (GRCh38, chr4:54,285,946, plus strand): 5'-GGAAAAATTGTGAAGATCTGTGACTTTGGCCTGGCCAGAGACATCATGCATGATTCGAAC[T>A]ATGTGTCGAAAGGCAGTGTACGTCCTCACTTCCCTCACTGGTCAGGCTCATCCTCCTTCA-3'
Protein context (NP_006197.1, residues 839-859): LARDIMHDSN[Tyr849Asn]VSKGSTFLPV

ClinVar aggregate classification (somatic clinical impact): Tier I - Strong (1 of 4 stars; one submission).

Conditions:
Diffuse midline glioma, H3 K27M-mutant. Identifiers: MedGen C4289688, MONDO:0957196.

Submission:

Institute for Genomic Medicine (IGM) Clinical Laboratory, Nationwide Children's Hospital
Classification: Tier I - Strong for Diffuse midline glioma, H3 K27M-mutant. Assertion type: diagnostic. Clinical significance: supports diagnosis. Last evaluated: 2023-06-18. Review status: criteria provided, single submitter. Criteria: AMP/ASCO/CAP Guidelines, 2017. Collection method: clinical testing. Allele origin: somatic. Affected: yes.
Comment: Variant has Tier I (strong) clinical significance as a diagnostic inclusion criterion in diffuse midline glioma, H3 K27M-mutant, based on the following evidence: 1) Appears in one or more well-established professional guidelines (e.g., World Health Organization [WHO]; National Comprehensive Cancer Network [NCCN]) as providing diagnostic, prognostic, or therapeutic information. 2) Diagnostic for a specific tumor type/classification based on well-powered studies with expert-level consensus (Evidence Level B; PMIDs: 24705251, 25230881, 27582545, 28966033, 29763623).

Literature cited by the submitters: PubMed 24705251; PubMed 25230881; PubMed 27582545; PubMed 28966033; PubMed 29763623.